The following is an entry in ClinVar:

NM_000051.4(ATM):c.6165C>A (p.Ile2055=)

Genes: ATM (ATM serine/threonine kinase; plus strand), C11orf65 (chromosome 11 open reading frame 65; minus strand). Cytogenetic location: 11q22.3.
Variant type: single nucleotide variant.
Coding change: c.6165C>A on transcript NM_000051.4 (MANE Select); coding-DNA position 6165, C replaced by A.
Protein change: p.Ile2055=; no amino-acid change (isoleucine 2055 retained).
Molecular consequence: synonymous variant. On other transcripts: intron variant (2).
Genome position (GRCh38, 1-based): chr11:108,316,080, C>A. VCF-style: chr11-108316080-C-A. GRCh37 (hg19) VCF-style: chr11-108186807-C-A.
Other names: c.6165C>A, p.Ile2055= (NM_001351834.2); c.641-7009G>T (NM_001330368.2); c.*39-7009G>T (NM_001351110.2).
Identifiers: ClinVar variation 414596 (VCV000414596.14), dbSNP rs779848229, ClinGen allele CA6265871.

ClinVar aggregate classification (germline): Benign/Likely benign. Review status: criteria provided, multiple submitters, no conflicts (2 of 4 stars). 3 submissions from 3 submitters: Benign (1); Likely benign (2). Last evaluated 2024-06-03.

Conditions:
Hereditary cancer-predisposing syndrome. Also called: Neoplastic Syndromes, Hereditary; Hereditary Cancer Syndrome; Tumor predisposition; Hereditary neoplastic syndrome. Identifiers: Orphanet 140162, MedGen C0027672, MeSH D009386, MONDO:0015356.
Ataxia-telangiectasia syndrome (AT). Also called: LOUIS-BAR SYNDROME; Cerebello-oculocutaneous telangiectasia; Immunodeficiency with ataxia telangiectasia; Ataxia-telangiectasia, complementation group D; AT, COMPLEMENTATION GROUP C; Ataxia-telangiectasia, complementation group E. Identifiers: Orphanet 100, MedGen C0004135, MONDO:0008840, OMIM 208900.
Familial cancer of breast. Also called: Hereditary breast cancer; BREAST CANCER, FAMILIAL; hereditary breast carcinoma. Identifiers: Orphanet 227535, MedGen C0346153, MONDO:0016419, OMIM 114480. Disease mechanism: loss of function.

Allele frequency attached by ClinVar (database versions not stated): gnomAD exomes below 0.00001; ExAC 0.00001.
gnomAD v4.1: 1 of 1,614,126 alleles (0.000062%); highest among the groups gnomAD compares: Non-Finnish European, 0.000085%; no homozygotes.

Submissions (3):

Myriad Genetics, Inc.
Classification: Benign for Familial cancer of breast. Last evaluated: 2024-06-03. Review status: criteria provided, single submitter. Criteria: Myriad Autosomal Dominant, Autosomal Recessive and X-Linked Classification Criteria (2023). Collection method: clinical testing. Allele origin: unknown.
Comment: This variant is considered benign. This variant is a silent/synonymous amino acid change and it is not expected to impact splicing.

Labcorp Genetics (formerly Invitae), Labcorp
Classification: Likely benign for Ataxia-telangiectasia syndrome. Last evaluated: 2023-12-12. Review status: criteria provided, single submitter. Criteria: Invitae Variant Classification Sherloc (09022015). Collection method: clinical testing. Allele origin: germline.

Ambry Genetics
Classification: Likely benign for Hereditary cancer-predisposing syndrome. Last evaluated: 2020-02-07. Review status: criteria provided, single submitter. Criteria: Ambry Variant Classification Scheme 2023. Collection method: clinical testing. Allele origin: germline.